The following is an entry in ClinVar:

NM_001025603.2(RFX5):c.56dup (p.Gly20fs)

Gene: RFX5 (regulatory factor X5; minus strand). Cytogenetic location: 1q21.3.
Variant type: Duplication.
Coding change: c.56dup on transcript NM_001025603.2 (MANE Select); coding-DNA position 56, one base duplicated (C; older notation c.56dupC).
Protein change: p.Gly20fs; shifts the reading frame from glycine 20.
Molecular consequence: frameshift variant.
Genome position (GRCh38, 1-based): chr1:151,346,265, G duplicated on the plus strand (C on the coding strand, the reverse complement: RFX5 is on the minus strand); the first of 7 consecutive G bases (chr1:151,346,265-151,346,271); duplicating any one gives the same sequence. VCF-style (leftmost placement, unchanged base first): chr1-151346264-T-TG. GRCh37 (hg19) VCF-style: chr1-151318740-T-TG.
Other names: c.56dup, p.Gly20fs (NM_000449.4, NM_001379412.1, NM_001379413.1 and 7 more transcripts); c.56dup (NM_000449.3); short protein forms G20fs.
Identifiers: ClinVar variation 1385971 (VCV001385971.7), dbSNP rs758904746, ClinGen allele CA1089965.

ClinVar aggregate classification (germline): Pathogenic/Likely pathogenic. Review status: criteria provided, multiple submitters, no conflicts (2 of 4 stars). 2 submissions from 2 submitters: Pathogenic (1); Likely pathogenic (1). Last evaluated 2024-12-23.

Conditions:
MHC class II deficiency. Also called: BLS, TYPE II; Bare lymphocyte syndrome 2. Identifiers: Orphanet 572, MedGen C5447452, MONDO:0008855.
MHC class II deficiency 3. Also called: Bare lymphocyte syndrome, type II, complementation group c. Identifiers: MedGen C1859536, MONDO:0971014, OMIM 620816.
MHC class II deficiency 5. Also called: BARE LYMPHOCYTE SYNDROME, TYPE II, COMPLEMENTATION GROUP E; Bare lymphocyte syndrome type 2, complementation group E. Identifiers: MedGen C1859538, MONDO:0971016, OMIM 620818.

Submissions (2):

Labcorp Genetics (formerly Invitae), Labcorp
Classification: Pathogenic for MHC class II deficiency. Last evaluated: 2024-12-23. Review status: criteria provided, single submitter. Criteria: Invitae Variant Classification Sherloc (09022015). Collection method: clinical testing. Allele origin: germline.
Comment: This sequence change creates a premature translational stop signal (p.Gly20Argfs*4) in the RFX5 gene. It is expected to result in an absent or disrupted protein product. Loss-of-function variants in RFX5 are known to be pathogenic (PMID: 7744245, 9401005, 10079298). The frequency data for this variant in the population databases is considered unreliable, as metrics indicate poor data quality at this position in the gnomAD database. This variant has not been reported in the literature in individuals affected with RFX5-related conditions. ClinVar contains an entry for this variant (Variation ID: 1385971). For these reasons, this variant has been classified as Pathogenic.

Fulgent Genetics
Classification: Likely pathogenic for MHC class II deficiency 3; MHC class II deficiency 5. Last evaluated: 2024-01-30. Review status: criteria provided, single submitter. Criteria: ACMG Guidelines, 2015. Collection method: clinical testing. Allele origin: germline.

Literature cited by the submitters: PubMed 7744245 (cited by Labcorp Genetics (formerly Invitae), Labcorp); PubMed 9401005 (cited by Labcorp Genetics (formerly Invitae), Labcorp); PubMed 10079298 (cited by Labcorp Genetics (formerly Invitae), Labcorp).